The following is an entry in ClinVar:

NM_019032.6(ADAMTSL4):c.1771C>T (p.Pro591Ser)

Genes: ADAMTSL4 (ADAMTS like 4; plus strand), ADAMTSL4-AS2 (ADAMTSL4 antisense RNA 2; minus strand). Cytogenetic location: 1q21.2.
Variant type: single nucleotide variant.
Coding change: c.1771C>T on transcript NM_019032.6 (MANE Select); coding-DNA position 1771, C replaced by T.
Protein change: p.Pro591Ser; replaces proline 591 with serine.
Molecular consequence: missense variant.
Genome position (GRCh38, 1-based): chr1:150,556,960, C>T. VCF-style: chr1-150556960-C-T. GRCh37 (hg19) VCF-style: chr1-150529436-C-T.
Other names: c.1840C>T, p.Pro614Ser (NM_001288607.2, NM_001288608.2); c.1771C>T, p.Pro591Ser (NM_001378596.1, NM_025008.5); short protein forms P591S, P614S.
Identifiers: ClinVar variation 2085309 (VCV002085309.1), dbSNP rs1672197585, ClinGen allele CA342313272.

ClinVar aggregate classification (germline): Uncertain significance (1 of 4 stars; one submission).

Allele frequency attached by ClinVar (database versions not stated): TOPMed below 0.00001.

Submission:

Labcorp Genetics (formerly Invitae), Labcorp
Classification: Uncertain significance. Last evaluated: 2022-10-24. Review status: criteria provided, single submitter. Criteria: Invitae Variant Classification Sherloc (09022015). Collection method: clinical testing. Allele origin: germline.
Comment: This sequence change replaces proline, which is neutral and non-polar, with serine, which is neutral and polar, at codon 591 of the ADAMTSL4 protein (p.Pro591Ser). This variant is not present in population databases (gnomAD no frequency). This variant has not been reported in the literature in individuals affected with ADAMTSL4-related conditions. Advanced modeling of protein sequence and biophysical properties (such as structural, functional, and spatial information, amino acid conservation, physicochemical variation, residue mobility, and thermodynamic stability) performed at Invitae indicates that this missense variant is not expected to disrupt ADAMTSL4 protein function. In summary, the available evidence is currently insufficient to determine the role of this variant in disease. Therefore, it has been classified as a Variant of Uncertain Significance.